The following is an entry in ClinVar:

ClinVar aggregate classification (germline): Uncertain significance (1 of 4 stars; one submission).

Conditions:
Familial cold autoinflammatory syndrome 4 (FCAS4). Identifiers: Orphanet 47045, Orphanet 576349, MedGen C4015276, MONDO:0014498, OMIM 616115.
Periodic fever-infantile enterocolitis-autoinflammatory syndrome. Also called: Autoinflammation with infantile enterocolitis. Identifiers: Orphanet 436166, MedGen C4015067, MONDO:0014472, OMIM 616050.

Submission:

Labcorp Genetics (formerly Invitae), Labcorp
Classification: Uncertain significance for Periodic fever-infantile enterocolitis-autoinflammatory syndrome; Familial cold autoinflammatory syndrome 4. Last evaluated: 2026-01-05. Review status: criteria provided, single submitter. Criteria: Invitae Variant Classification Sherloc (09022015). Collection method: clinical testing. Allele origin: germline.
Comment: This sequence change replaces histidine, which is basic and polar, with tyrosine, which is neutral and polar, at codon 91 of the NLRC4 protein (p.His91Tyr). This variant is not present in population databases (gnomAD no frequency). This variant has not been reported in the literature in individuals affected with NLRC4-related conditions. ClinVar contains an entry for this variant (Variation ID: 1377404). Invitae Evidence Modeling of protein sequence and biophysical properties (such as structural, functional, and spatial information, amino acid conservation, physicochemical variation, residue mobility, and thermodynamic stability) indicates that this missense variant is not expected to disrupt NLRC4 protein function with a negative predictive value of 80%. In summary, the available evidence is currently insufficient to determine the role of this variant in disease. Therefore, it has been classified as a Variant of Uncertain Significance.

NM_001199138.2(NLRC4):c.271C>T (p.His91Tyr)

Gene: NLRC4 (NLR family CARD domain containing 4; minus strand). Cytogenetic location: 2p22.3.
Variant type: single nucleotide variant.
Coding change: c.271C>T on transcript NM_001199138.2 (MANE Select); coding-DNA position 271, C replaced by T.
Protein change: p.His91Tyr; replaces histidine 91 with tyrosine.
Molecular consequence: missense variant. On other transcripts: intron variant (1).
Genome position (GRCh38, 1-based): chr2:32,251,593, G>A on the plus strand (C>T on the coding strand, the complement: NLRC4 is on the minus strand). VCF-style: chr2-32251593-G-A. GRCh37 (hg19) VCF-style: chr2-32476662-G-A.
Other names: c.271C>T, p.His91Tyr (NM_001199139.2, NM_021209.5); c.262+826C>T (NM_001302504.1); short protein forms H91Y.
Identifiers: ClinVar variation 1377404 (VCV001377404.8), dbSNP rs1233211061, ClinGen allele CA346516593.